The following is an entry in ClinVar:

NM_002500.5(NEUROD1):c.272_274del (p.Met91del)

Gene: NEUROD1 (neuronal differentiation 1; minus strand). Cytogenetic location: 2q31.3.
Variant type: Deletion.
Coding change: c.272_274del on transcript NM_002500.5 (MANE Select); coding-DNA positions 272 to 274, 3 bases deleted (TGA; older notation c.272_274delTGA).
Protein change: p.Met91del; deletes methionine 91.
Molecular consequence: inframe deletion.
Genome position (GRCh38, 1-based): chr2:181,678,587-181,678,589, TCA deleted on the plus strand (TGA on the coding strand, the reverse complement: NEUROD1 is on the minus strand); deleting any 3 consecutive bases within chr2:181,678,587-181,678,591 gives the same sequence; the c. name uses the placement nearest the transcript's 3' end. VCF-style (leftmost placement, unchanged base first): chr2-181678586-GTCA-G. GRCh37 (hg19) VCF-style: chr2-182543313-GTCA-G.
Other names: short protein forms M91del.
Identifiers: ClinVar variation 1348214 (VCV001348214.8), dbSNP rs770662675, ClinGen allele CA2011151.

ClinVar aggregate classification (germline): Uncertain significance (1 of 4 stars; one submission).

Submission:

Labcorp Genetics (formerly Invitae), Labcorp
Classification: Uncertain significance. Last evaluated: 2020-11-16. Review status: criteria provided, single submitter. Criteria: Invitae Variant Classification Sherloc (09022015). Collection method: clinical testing. Allele origin: germline.
Comment: This variant is present in population databases (rs770662675, ExAC 0.01%). This variant, c.272_274del, results in the deletion of 1 amino acid(s) of the NEUROD1 protein (p.Met91del), but otherwise preserves the integrity of the reading frame. This variant has not been reported in the literature in individuals with NEUROD1-related conditions. In summary, the available evidence is currently insufficient to determine the role of this variant in disease. Therefore, it has been classified as a Variant of Uncertain Significance. Experimental studies and prediction algorithms are not available or were not evaluated, and the functional significance of this variant is currently unknown.